The following is an entry in ClinVar:

NM_001378454.1(ALMS1):c.4060A>G (p.Thr1354Ala)

Gene: ALMS1 (ALMS1 centrosome and basal body associated protein; plus strand). Cytogenetic location: 2p13.1.
Variant type: single nucleotide variant.
Coding change: c.4060A>G on transcript NM_001378454.1 (MANE Select); coding-DNA position 4060, A replaced by G.
Protein change: p.Thr1354Ala; replaces threonine 1354 with alanine.
Molecular consequence: missense variant.
Genome position (GRCh38, 1-based): chr2:73,450,587, A>G. VCF-style: chr2-73450587-A-G. GRCh37 (hg19) VCF-style: chr2-73677714-A-G.
Other names: c.4063A>G, p.Thr1355Ala (NM_015120.4); short protein forms T1354A, T1355A.
Identifiers: ClinVar variation 1360783 (VCV001360783.8), dbSNP rs1330377280, ClinGen allele CA347277379.
Genomic context (GRCh38, chr2:73,450,587, plus strand): 5'-TACTCACACACAGAGAAGCCTGGTGTTTTCTACCAACAGGTCTTGCCACATAGTCATCCA[A>G]CTGAAGAGGCTCTGAAAATTTCAGTTGCCTCTGAACCAGTTGACCAGACAACTGGCACAC-3'
Protein context (NP_001365383.1, residues 1344-1364): YQQVLPHSHP[Thr1354Ala]EEALKISVAS

ClinVar aggregate classification (germline): Uncertain significance (1 of 4 stars; one submission).

Conditions:
Alstrom syndrome (ALMS). Identifiers: Orphanet 64, MedGen C0268425, MONDO:0008763, OMIM 203800.

Allele frequency attached by ClinVar (database versions not stated): gnomAD exomes below 0.00001.
gnomAD v4.1: 3 of 1,599,948 alleles (0.00019%); highest among the groups gnomAD compares: Non-Finnish European, 0.00017%; no homozygotes.

Submission:

Labcorp Genetics (formerly Invitae), Labcorp
Classification: Uncertain significance for Alstrom syndrome. Last evaluated: 2022-03-10. Review status: criteria provided, single submitter. Criteria: Invitae Variant Classification Sherloc (09022015). Collection method: clinical testing. Allele origin: germline.
Comment: In summary, the available evidence is currently insufficient to determine the role of this variant in disease. Therefore, it has been classified as a Variant of Uncertain Significance. Experimental studies and prediction algorithms are not available or were not evaluated, and the functional significance of this variant is currently unknown. This variant has not been reported in the literature in individuals affected with ALMS1-related conditions. This variant is not present in population databases (gnomAD no frequency). This sequence change replaces threonine, which is neutral and polar, with alanine, which is neutral and non-polar, at codon 1355 of the ALMS1 protein (p.Thr1355Ala).